The following is an entry in ClinVar:

NM_006493.4(CLN5):c.679del (p.Asp227fs)

Gene: CLN5 (CLN5 lysosomal BMP synthase; plus strand). Cytogenetic location: 13q22.3.
Variant type: Deletion.
Coding change: c.679del on transcript NM_006493.4 (MANE Select); coding-DNA position 679, one base deleted (G; older notation c.679delG).
Protein change: p.Asp227fs; shifts the reading frame from aspartic acid 227.
Molecular consequence: frameshift variant. On other transcripts: 3 prime UTR variant (1).
Genome position (GRCh38, 1-based): chr13:77,000,571, G deleted. VCF-style (leftmost placement, unchanged base first): chr13-77000570-TG-T. GRCh37 (hg19) VCF-style: chr13-77574705-TG-T.
Other names: c.*128del (NM_001366624.2); short protein forms D227fs.
Identifiers: ClinVar variation 1452241 (VCV001452241.8), dbSNP rs2154035131, ClinGen allele CA2573149756.
Genomic context (GRCh38, chr13:77,000,570, plus strand): 5'-AATTTATTATGAGACATGGAATGTAAAAGCCAGCCCAGAAAAGGGGGCAGAGACATGGTT[TG>T]ATTCCTACGACTGTTCCAAATTTGTGTTAAGGACCTTTAACAAGTTGGCTGAATTTGGAG-3'

ClinVar aggregate classification (germline): Pathogenic (1 of 4 stars; one submission).

Conditions:
Neuronal ceroid lipofuscinosis. Also called: Neuronal Ceroid Lipofuscinoses. Identifiers: Orphanet 216, Orphanet 79263, MedGen C0027877, MONDO:0016295. Disease mechanism: loss of function.

Submission:

Labcorp Genetics (formerly Invitae), Labcorp
Classification: Pathogenic for Neuronal ceroid lipofuscinosis. Last evaluated: 2022-11-15. Review status: criteria provided, single submitter. Criteria: Invitae Variant Classification Sherloc (09022015). Collection method: clinical testing. Allele origin: germline.
Comment: For these reasons, this variant has been classified as Pathogenic. This variant disrupts a region of the CLN5 protein in which other variant(s) (p.Tyr392*) have been determined to be pathogenic (PMID: 9662406; Invitae). This suggests that this is a clinically significant region of the protein, and that variants that disrupt it are likely to be disease-causing. ClinVar contains an entry for this variant (Variation ID: 1452241). This variant has not been reported in the literature in individuals affected with CLN5-related conditions. This variant is not present in population databases (gnomAD no frequency). This sequence change creates a premature translational stop signal (p.Asp276Ilefs*10) in the CLN5 gene. While this is not anticipated to result in nonsense mediated decay, it is expected to disrupt the last 132 amino acid(s) of the CLN5 protein.

Literature cited by the submitters: PubMed 9662406.